The following is an entry in ClinVar:

ClinVar aggregate classification (germline): Benign/Likely benign. Review status: criteria provided, multiple submitters, no conflicts (2 of 4 stars). 2 submissions from 2 submitters: Benign (1); Likely benign (1). Last evaluated 2019-12-31.

Conditions:
Long QT syndrome (LQTS). Identifiers: MedGen C0023976, MeSH D008133, MONDO:0002442. Disease mechanism: loss of function. Inheritance: Various modes of inheritance.

Allele frequency attached by ClinVar (database versions not stated): gnomAD exomes 0.00100; gnomAD 0.01042; TOPMed 0.01123; 1000 Genomes Project 0.01218; 1000 Genomes Project 30x 0.01437.
gnomAD v4.1: 2,369 of 998,548 alleles (0.24%); highest among the groups gnomAD compares: African/African-American, 3.4%; 55 homozygotes.

Submissions (2):

Labcorp Genetics (formerly Invitae), Labcorp
Classification: Benign for Long QT syndrome. Last evaluated: 2019-12-31. Review status: criteria provided, single submitter. Criteria: Invitae Variant Classification Sherloc (09022015). Collection method: clinical testing. Allele origin: germline.

GeneDx
Classification: Likely benign. Last evaluated: 2018-06-16. Review status: criteria provided, single submitter. Criteria: GeneDx Variant Classification (06012015). Collection method: clinical testing. Allele origin: germline. Affected: yes.
Comment: This variant is considered likely benign or benign based on one or more of the following criteria: it is a conservative change, it occurs at a poorly conserved position in the protein, it is predicted to be benign by multiple in silico algorithms, and/or has population frequency not consistent with disease.

NM_000719.7(CACNA1C):c.4527-67C>T

Gene: CACNA1C (calcium voltage-gated channel subunit alpha1 C; plus strand). Cytogenetic location: 12p13.33.
Variant type: single nucleotide variant.
Coding change: c.4527-67C>T on transcript NM_000719.7 (MANE Select); 67 bases into the intron before coding-DNA position 4527, C replaced by T.
Molecular consequence: intron variant.
Genome position (GRCh38, 1-based): chr12:2,666,619, C>T. VCF-style: chr12-2666619-C-T. GRCh37 (hg19) VCF-style: chr12-2775785-C-T.
Other names: c.4527-67C>T (NM_001167624.3, NM_001167623.2, NM_001129840.2 and 7 more transcripts); c.4494-67C>T (NM_001167625.2, NM_001129837.2, NM_001129838.2 and 1 more transcripts); c.4671-67C>T (NM_199460.4, NM_001129827.2); c.4587-67C>T (NM_001129832.2); c.4611-67C>T (NM_001129831.2); c.4593-67C>T (NM_001129829.2); c.4488-67C>T (NM_001129839.2); c.4578-67C>T (NM_001129836.2); and 1 more.
Identifiers: ClinVar variation 675598 (VCV000675598.5), dbSNP rs114987339, ClinGen allele CA231598840.